The following is an entry in ClinVar:

NM_002641.4(PIGA):c.1266A>G (p.Pro422=)

Gene: PIGA (phosphatidylinositol glycan anchor biosynthesis class A; minus strand). Cytogenetic location: Xp22.2.
Variant type: single nucleotide variant.
Coding change: c.1266A>G on transcript NM_002641.4 (MANE Select); coding-DNA position 1266, A replaced by G.
Protein change: p.Pro422=; no amino-acid change (proline 422 retained).
Molecular consequence: synonymous variant. On other transcripts: non-coding transcript variant (4).
Genome position (GRCh38, 1-based): chrX:15,321,695, T>C on the plus strand (A>G on the coding strand, the complement: PIGA is on the minus strand). VCF-style: chrX-15321695-T-C. GRCh37 (hg19) VCF-style: chrX-15339817-T-C.
Other names: c.1359A>G, p.Pro453= (NM_001440789.1); c.657A>G, p.Pro219= (NM_001440790.1); c.564A>G, p.Pro188= (NM_020473.3).
Identifiers: ClinVar variation 4717326 (VCV004717326.1).
Genomic context (GRCh38, chrX:15,321,695, plus strand): 5'-CAAGAAAATGAGGAAGAGGAAGTTGAAAACTGCCAACAAAGCAAAGATGTAGCCTGTTAC[T>C]GGGCCGCAGTGAGAAATAAGTCTGTCCAGTCGTTTGTCCATTGGCAACACAGCTTCCACT-3'
Protein context (NP_002632.1, residues 412-432): RLDRLISHCG[Pro422=]VTGYIFALLA

ClinVar aggregate classification (germline): Uncertain significance (1 of 4 stars; one submission).

Conditions:
Multiple congenital anomalies-hypotonia-seizures syndrome 2 (MCAHS2). Also called: EPILEPTIC ENCEPHALOPATHY, EARLY INFANTILE, 20; GLYCOSYLPHOSPHATIDYLINOSITOL BIOSYNTHESIS DEFECT 4. Identifiers: Orphanet 300496, MedGen C3275508, MONDO:0010466, OMIM 300868.

Submission:

Labcorp Genetics (formerly Invitae), Labcorp
Classification: Uncertain significance for Multiple congenital anomalies-hypotonia-seizures syndrome 2. Last evaluated: 2025-04-11. Review status: criteria provided, single submitter. Criteria: Invitae Variant Classification Sherloc (09022015). Collection method: clinical testing. Allele origin: germline.
Comment: This sequence change affects codon 422 of the PIGA mRNA. It is a 'silent' change, meaning that it does not change the encoded amino acid sequence of the PIGA protein. This variant is not present in population databases (gnomAD no frequency). This variant has not been reported in the literature in individuals affected with PIGA-related conditions. Algorithms developed to predict the effect of sequence changes on RNA splicing suggest that this variant may create or strengthen a splice site. In summary, the available evidence is currently insufficient to determine the role of this variant in disease. Therefore, it has been classified as a Variant of Uncertain Significance.